The following is an entry in ClinVar:

ClinVar aggregate classification (germline): Uncertain significance (1 of 4 stars; one submission).

Conditions:
Hereditary spastic paraplegia 7 (SPG7). Also called: SPG7-related neurologic disorder; Spastic paraplegia 7; Hereditary spastic paraplegia Paraplegin type; Autosomal recessive spastic paraplegia type 7; SPASTIC PARAPLEGIA 7, AUTOSOMAL RECESSIVE, WITH OR WITHOUT CEREBELLAR ATAXIA. Identifiers: Orphanet 99013, MedGen C1846564, MONDO:0011803, OMIM 607259.

Allele frequency attached by ClinVar (database versions not stated): TOPMed below 0.00001.

Submission:

Labcorp Genetics (formerly Invitae), Labcorp
Classification: Uncertain significance for Hereditary spastic paraplegia 7. Last evaluated: 2024-01-22. Review status: criteria provided, single submitter. Criteria: Invitae Variant Classification Sherloc (09022015). Collection method: clinical testing. Allele origin: germline.
Comment: This sequence change falls in intron 7 of the SPG7 gene. It does not directly change the encoded amino acid sequence of the SPG7 protein. This variant is not present in population databases (gnomAD no frequency). This variant has not been reported in the literature in individuals affected with SPG7-related conditions. Algorithms developed to predict the effect of sequence changes on RNA splicing suggest that this variant may disrupt the consensus splice site. In summary, the available evidence is currently insufficient to determine the role of this variant in disease. Therefore, it has been classified as a Variant of Uncertain Significance.

NM_003119.4(SPG7):c.988-17T>C

Gene: SPG7 (SPG7 matrix AAA peptidase subunit, paraplegin; plus strand). Cytogenetic location: 16q24.3.
Variant type: single nucleotide variant.
Coding change: c.988-17T>C on transcript NM_003119.4 (MANE Select); 17 bases into the intron before coding-DNA position 988, T replaced by C.
Molecular consequence: intron variant.
Genome position (GRCh38, 1-based): chr16:89,531,887, T>C. VCF-style: chr16-89531887-T-C. GRCh37 (hg19) VCF-style: chr16-89598295-T-C.
Other names: c.988-17T>C (NM_001363850.1, NM_199367.3).
Identifiers: ClinVar variation 2803662 (VCV002803662.3), dbSNP rs1239775275, ClinGen allele CA725677265.